The following is an entry in ClinVar:

ClinVar aggregate classification (germline): Uncertain significance. Review status: criteria provided, multiple submitters, no conflicts (2 of 4 stars). 3 submissions from 3 submitters: Uncertain significance (3). Last evaluated 2026-05-01.

Conditions:
HYOU1-related disorder. Also called: HYOU1-related condition.

Allele frequency attached by ClinVar (database versions not stated): gnomAD exomes 0.00003 and 0.00009; ExAC 0.00011; gnomAD 0.00037; ESP Exome Variant Server 0.00046; TOPMed 0.00058; 1000 Genomes Project 0.00100; 1000 Genomes Project 30x 0.00125.

Submissions (3):

PreventionGenetics, part of Exact Sciences
Classification: Uncertain significance for HYOU1-related condition. Last evaluated: 2026-05-01. Review status: criteria provided, single submitter. Criteria: ACMG Guidelines, 2015. Collection method: clinical testing. Allele origin: germline.
Comment: The HYOU1 c.20G>A variant is predicted to result in the amino acid substitution p.Arg7Lys. To our knowledge, this variant has not been reported in the literature. This variant is reported in 0.096% of alleles in individuals of African descent in gnomAD. Although we suspect that this variant may be benign, at this time, the clinical significance of this variant is uncertain due to the absence of conclusive functional and genetic evidence.

Labcorp Genetics (formerly Invitae), Labcorp
Classification: Uncertain significance. Last evaluated: 2025-12-09. Review status: criteria provided, single submitter. Criteria: Invitae Variant Classification Sherloc (09022015). Collection method: clinical testing. Allele origin: germline.
Comment: This sequence change replaces arginine, which is basic and polar, with lysine, which is basic and polar, at codon 7 of the HYOU1 protein (p.Arg7Lys). This variant is present in population databases (rs143715131, gnomAD 0.08%), and has an allele count higher than expected for a pathogenic variant. This variant has not been reported in the literature in individuals affected with HYOU1-related conditions. ClinVar contains an entry for this variant (Variation ID: 1512228). An algorithm developed to predict the effect of missense changes on protein structure and function outputs the following: PolyPhen-2: "Not Available". The lysine amino acid residue is found in multiple mammalian species, which suggests that this missense change does not adversely affect protein function. In summary, the available evidence is currently insufficient to determine the role of this variant in disease. Therefore, it has been classified as a Variant of Uncertain Significance.

Ambry Genetics
Classification: Uncertain significance. Last evaluated: 2025-08-01. Review status: criteria provided, single submitter. Criteria: Ambry Variant Classification Scheme 2023. Collection method: clinical testing. Allele origin: germline.

NM_006389.5(HYOU1):c.20G>A (p.Arg7Lys)

Gene: HYOU1 (hypoxia up-regulated 1; minus strand). Cytogenetic location: 11q23.3.
Variant type: single nucleotide variant.
Coding change: c.20G>A on transcript NM_006389.5 (MANE Select); coding-DNA position 20, G replaced by A.
Protein change: p.Arg7Lys; replaces arginine 7 with lysine.
Molecular consequence: missense variant.
Genome position (GRCh38, 1-based): chr11:119,056,141, C>T on the plus strand (G>A on the coding strand, the complement: HYOU1 is on the minus strand). VCF-style: chr11-119056141-C-T. GRCh37 (hg19) VCF-style: chr11-118926853-C-T.
Other names: c.20G>A (NM_006389.3, NM_006389.4); c.20G>A, p.Arg7Lys (NM_001130991.3); short protein forms R7K.
Identifiers: ClinVar variation 1512228 (VCV001512228.11), dbSNP rs143715131, ClinGen allele CA229649801.